The following is an entry in ClinVar:

NM_015338.6(ASXL1):c.3425A>G (p.Gln1142Arg)

Gene: ASXL1 (ASXL transcriptional regulator 1; plus strand). Cytogenetic location: 20q11.21.
Variant type: single nucleotide variant.
Coding change: c.3425A>G on transcript NM_015338.6 (MANE Select); coding-DNA position 3425, A replaced by G.
Protein change: p.Gln1142Arg; replaces glutamine 1142 with arginine.
Molecular consequence: missense variant.
Genome position (GRCh38, 1-based): chr20:32,436,137, A>G. VCF-style: chr20-32436137-A-G. GRCh37 (hg19) VCF-style: chr20-31023940-A-G.
Other names: c.3242A>G, p.Gln1081Arg (NM_001363734.1); short protein forms Q1081R, Q1142R.
Identifiers: ClinVar variation 982935 (VCV000982935.2), dbSNP rs2011847101, ClinGen allele CA408563037.
Genomic context (GRCh38, chr20:32,436,137, plus strand): 5'-TTCCACCAGCCCACGATGACAGCATGTCAGAATCCCCACAAGTACCACTTACAAAAGACC[A>G]GAGCCATGGCTCGCTACGCATGGGATCTTTACATGGTCTTGGAAAAAACAGTGGCATGGT-3'
Protein context (NP_056153.2, residues 1132-1152): ESPQVPLTKD[Gln1142Arg]SHGSLRMGSL

ClinVar aggregate classification (germline): Uncertain significance. Review status: criteria provided, multiple submitters, no conflicts (2 of 4 stars). 2 submissions from 2 submitters: Uncertain significance (2). Last evaluated 2025-01-01.

Conditions:
Bohring-Opitz syndrome. Also called: OPITZ TRIGONOCEPHALY-LIKE SYNDROME; C-LIKE SYNDROME; ASXL1-Related Bohring-Opitz Syndrome; BOHRING SYNDROME. Identifiers: Orphanet 97297, MedGen C0796232, MONDO:0011510, OMIM 605039.
ASXL1-related disorder. Also called: ASXL1-related disorders; ASXL1-related condition.

Submissions (2):

PreventionGenetics, part of Exact Sciences
Classification: Uncertain significance for ASXL1-related condition. Last evaluated: 2025-01-01. Review status: criteria provided, single submitter. Criteria: ACMG Guidelines, 2015. Collection method: clinical testing. Allele origin: germline.
Comment: The ASXL1 c.3425A>G variant is predicted to result in the amino acid substitution p.Gln1142Arg. To our knowledge, this variant has not been reported in the literature or in a large population database (gnomAD), indicating this variant is rare. At this time, the clinical significance of this variant is uncertain due to the absence of conclusive functional and genetic evidence.

Institute of Human Genetics, University of Leipzig Medical Center
Classification: Uncertain significance for Bohring-Opitz syndrome. Last evaluated: 2019-01-01. Review status: criteria provided, single submitter. Criteria: ACMG Guidelines, 2015. Collection method: clinical testing. Allele origin: unknown. Affected: yes.